The following is an entry in ClinVar:

NM_003619.4(PRSS12):c.211del (p.Ala71fs)

Gene: PRSS12 (serine protease 12; minus strand). Cytogenetic location: 4q26.
Variant type: Deletion.
Coding change: c.211del on transcript NM_003619.4 (MANE Select); coding-DNA position 211, one base deleted (G; older notation c.211delG).
Protein change: p.Ala71fs; shifts the reading frame from alanine 71.
Molecular consequence: frameshift variant.
Genome position (GRCh38, 1-based): chr4:118,352,510, C deleted on the plus strand (G on the coding strand, the reverse complement: PRSS12 is on the minus strand); the first of 3 consecutive C bases (chr4:118,352,510-118,352,512); deleting any one gives the same sequence. VCF-style (leftmost placement, unchanged base first): chr4-118352509-GC-G. GRCh37 (hg19) VCF-style: chr4-119273664-GC-G.
Other names: short protein forms A71fs.
Identifiers: ClinVar variation 3905830 (VCV003905830.10).

ClinVar aggregate classification (germline): Uncertain significance (1 of 4 stars; one submission).

Submission:

CeGaT Center for Human Genetics Tuebingen
Classification: Uncertain significance. Last evaluated: 2025-05-01. Review status: criteria provided, single submitter. Criteria: CeGaT Center For Human Genetics Tuebingen Variant Classification Criteria Version 2. Collection method: clinical testing. Allele origin: germline. Affected: yes. Observed: 1 variant allele.
Comment: PRSS12: PM2